The following is an entry in ClinVar:

ClinVar aggregate classification (germline): Uncertain significance. Review status: criteria provided, multiple submitters, no conflicts (2 of 4 stars). 3 submissions from 3 submitters: Uncertain significance (3). Last evaluated 2026-08-04.

Conditions:
Inborn genetic diseases. Identifiers: MedGen C0950123, MeSH D030342.
PLEC-related disorder. Also called: PLEC-related condition; PLEC-related disorders.
Epidermolysis bullosa simplex 5B, with muscular dystrophy (EBS5B). Also called: Epidermolysis bullosa simplex with muscular dystrophy; EPIDERMOLYSIS BULLOSA SIMPLEX AND LIMB-GIRDLE MUSCULAR DYSTROPHY. Identifiers: Orphanet 257, MedGen C2931072, MONDO:0009181, OMIM 226670.
Epidermolysis bullosa simplex, Ogna type (EBS5A). Also called: Pidermolysis bullosa simplex 5A, Ogna type; EPIDERMOLYSIS BULLOSA SIMPLEX 5A, OGNA TYPE. Identifiers: Orphanet 79401, MedGen C0432317, MONDO:0007555, OMIM 131950.
Epidermolysis bullosa simplex 5C, with pyloric atresia (EBS5C). Also called: PLEC1-Related Epidermolysis Bullosa with Pyloric Atresia; PLEC-Related Epidermolysis Bullosa with Pyloric Atresia; Epidermolysis bullosa simplex with pyloric atresia. Identifiers: Orphanet 158684, MedGen C2677349, MONDO:0012807, OMIM 612138.
Epidermolysis bullosa simplex with nail dystrophy (EBS5D). Identifiers: MedGen C4225309, MONDO:0014661, OMIM 616487.
Autosomal recessive limb-girdle muscular dystrophy type 2Q (LGMDR17). Also called: MUSCULAR DYSTROPHY, LIMB-GIRDLE, AUTOSOMAL RECESSIVE 17. Identifiers: Orphanet 254361, MedGen C3150989, MONDO:0013390, OMIM 613723.

Allele frequency attached by ClinVar (database versions not stated): gnomAD 0.00001; TOPMed 0.00001.
gnomAD v4.1: 77 of 1,585,880 alleles (0.0049%); highest among the groups gnomAD compares: South Asian, 0.0067%; no homozygotes.

Submissions (3):

PreventionGenetics, part of Exact Sciences
Classification: Uncertain significance for PLEC-related condition. Last evaluated: 2026-08-04. Review status: criteria provided, single submitter. Criteria: ACMG Guidelines, 2015. Collection method: clinical testing. Allele origin: germline.
Comment: The PLEC c.6181C>T variant is predicted to result in the amino acid substitution p.Arg2061Trp. To our knowledge, this variant has not been reported in the literature. This variant is reported in 0.0071% of alleles in individuals of South Asian descent in gnomAD. At this time, the clinical significance of this variant is uncertain due to the absence of conclusive functional and genetic evidence.

Ambry Genetics
Classification: Uncertain significance for Inborn genetic diseases. Last evaluated: 2025-08-03. Review status: criteria provided, single submitter. Criteria: Ambry Variant Classification Scheme 2023. Collection method: clinical testing. Allele origin: germline.

Labcorp Genetics (formerly Invitae), Labcorp
Classification: Uncertain significance for Autosomal recessive limb-girdle muscular dystrophy type 2Q; Epidermolysis bullosa simplex, Ogna type; Epidermolysis bullosa simplex with nail dystrophy; Epidermolysis bullosa simplex 5C, with pyloric atresia; Epidermolysis bullosa simplex 5B, with muscular dystrophy. Last evaluated: 2025-07-31. Review status: criteria provided, single submitter. Criteria: Invitae Variant Classification Sherloc (09022015). Collection method: clinical testing. Allele origin: germline.
Comment: This sequence change replaces arginine, which is basic and polar, with tryptophan, which is neutral and slightly polar, at codon 2061 of the PLEC protein (p.Arg2061Trp). This variant is present in population databases (rs782775584, gnomAD 0.007%). This variant has not been reported in the literature in individuals affected with PLEC-related conditions. ClinVar contains an entry for this variant (Variation ID: 2149739). An algorithm developed to predict the effect of missense changes on protein structure and function (PolyPhen-2) suggests that this variant is likely to be tolerated. In summary, the available evidence is currently insufficient to determine the role of this variant in disease. Therefore, it has been classified as a Variant of Uncertain Significance.

NM_201384.3(PLEC):c.6100C>T (p.Arg2034Trp)

Gene: PLEC (plectin; minus strand). Cytogenetic location: 8q24.3.
Variant type: single nucleotide variant.
Coding change: c.6100C>T on transcript NM_201384.3 (MANE Select); coding-DNA position 6100, C replaced by T.
Protein change: p.Arg2034Trp; replaces arginine 2034 with tryptophan.
Molecular consequence: missense variant.
Genome position (GRCh38, 1-based): chr8:143,923,829, G>A on the plus strand (C>T on the coding strand, the complement: PLEC is on the minus strand). VCF-style: chr8-143923829-G-A. GRCh37 (hg19) VCF-style: chr8-144997997-G-A.
Other names: c.6181C>T (NM_000445.3, NM_000445.4); c.6181C>T, p.Arg2061Trp (NM_000445.5); c.6058C>T, p.Arg2020Trp (NM_201378.4); c.6034C>T, p.Arg2012Trp (NM_201379.3); c.6511C>T, p.Arg2171Trp (NM_201380.4); c.6004C>T, p.Arg2002Trp (NM_201381.3); c.6100C>T, p.Arg2034Trp (NM_201382.4); c.6112C>T, p.Arg2038Trp (NM_201383.3); short protein forms R2020W, R2061W, R2038W, R2034W, R2171W, R2002W, R2012W.
Identifiers: ClinVar variation 2149739 (VCV002149739.6), dbSNP rs782775584, ClinGen allele CA4926106.
Genomic context (GRCh38, chr8:143,923,829, plus strand): 5'-GTGCCTTCTCTTCCGCCTGCAGCCGCTTCTGGGCGGCCTCCTGGGCCAGCTGCAGCTGCC[G>A]CGCCGACTCCTGCTCCGCTCGCTCCCGCAGGCGCCGCGCCTCCTCCACCTTGGCTTTCAG-3'
Protein context (NP_958786.1, residues 2024-2044): LRERAEQESA[Arg2034Trp]QLQLAQEAAQ